The following is an entry in ClinVar:

ClinVar aggregate classification (germline): Uncertain significance (1 of 4 stars; one submission).

Conditions:
ABCB4-related disorder. Also called: ABCB4-related disorders; ABCB4-related condition.

gnomAD v4.1: 57 of 1,613,592 alleles (0.0035%); highest among the groups gnomAD compares: African/African-American, 0.02%; no homozygotes.

Submission:

PreventionGenetics, part of Exact Sciences
Classification: Uncertain significance for ABCB4-related condition. Last evaluated: 2026-07-21. Review status: criteria provided, single submitter. Criteria: ACMG Guidelines, 2015. Collection method: clinical testing. Allele origin: germline.
Comment: The ABCB4 c.3269C>T variant is predicted to result in the amino acid substitution p.Ala1090Val. To our knowledge, this variant has not been reported in the literature. This variant is reported in 0.025% of alleles in individuals of African descent in gnomAD. At this time, the clinical significance of this variant is uncertain due to the absence of conclusive functional and genetic evidence.

NM_000443.4(ABCB4):c.3269C>T (p.Ala1090Val)

Gene: ABCB4 (ATP binding cassette subfamily B member 4; minus strand). Cytogenetic location: 7q21.12.
Variant type: single nucleotide variant.
Coding change: c.3269C>T on transcript NM_000443.4 (MANE Select); coding-DNA position 3269, C replaced by T.
Protein change: p.Ala1090Val; replaces alanine 1090 with valine.
Molecular consequence: missense variant.
Genome position (GRCh38, 1-based): chr7:87,408,047, G>A on the plus strand (C>T on the coding strand, the complement: ABCB4 is on the minus strand). VCF-style: chr7-87408047-G-A. GRCh37 (hg19) VCF-style: chr7-87037363-G-A.
Other names: c.3269C>T, p.Ala1090Val (NM_018849.3); c.3128C>T, p.Ala1043Val (NM_018850.3); short protein forms A1090V, A1043V.
Identifiers: ClinVar variation 4989298 (VCV004989298.1).